The following is an entry in ClinVar:

NM_003079.5(SMARCE1):c.370-6T>C

Gene: SMARCE1 (SWI/SNF related BAF chromatin remodeling complex subunit E1; minus strand). Cytogenetic location: 17q21.2.
Variant type: single nucleotide variant.
Coding change: c.370-6T>C on transcript NM_003079.5 (MANE Select); 6 bases into the intron before coding-DNA position 370, T replaced by C.
Molecular consequence: intron variant.
Genome position (GRCh38, 1-based): chr17:40,636,108, A>G on the plus strand (T>C on the coding strand, the complement: SMARCE1 is on the minus strand). VCF-style: chr17-40636108-A-G. GRCh37 (hg19) VCF-style: chr17-38792360-A-G.
Identifiers: ClinVar variation 407077 (VCV000407077.10), dbSNP rs1060501397, ClinGen allele CA16615328.

ClinVar aggregate classification (germline): Uncertain significance. Review status: criteria provided, multiple submitters, no conflicts (2 of 4 stars). 2 submissions from 2 submitters: Uncertain significance (2). Last evaluated 2024-02-06.

Conditions:
Hereditary cancer-predisposing syndrome. Also called: Hereditary Cancer Syndrome; Hereditary neoplastic syndrome; Neoplastic Syndromes, Hereditary; Tumor predisposition. Identifiers: Orphanet 140162, MedGen C0027672, MeSH D009386, MONDO:0015356.
Familial meningioma. Also called: Meningioma, familial, susceptibility to. Identifiers: Orphanet 263662, MedGen C3551915, MONDO:0011789, OMIM 607174.

Submissions (2):

Ambry Genetics
Classification: Uncertain significance for Hereditary cancer-predisposing syndrome. Last evaluated: 2024-02-06. Review status: criteria provided, single submitter. Criteria: Ambry Variant Classification Scheme 2023. Collection method: clinical testing. Allele origin: germline.
Comment: The c.370-6T>C intronic variant results from a T to C substitution 6 nucleotides upstream from coding exon 6 in the SMARCE1 gene. This variant has been observed in at least one individual with a personal and/or family history that is consistent with SMARCE1-related meningioma susceptibility (Ambry internal data). In silico splice site analysis predicts that this alteration may weaken the native splice acceptor site; however, direct evidence is insufficient at this time (Ambry internal data). This nucleotide position is well conserved in available vertebrate species. Based on the available evidence, the clinical significance of this alteration remains unclear.

Labcorp Genetics (formerly Invitae), Labcorp
Classification: Uncertain significance for Familial meningioma. Last evaluated: 2016-08-24. Review status: criteria provided, single submitter. Criteria: Invitae Variant Classification Sherloc (09022015). Collection method: clinical testing. Allele origin: germline.
Comment: This sequence change falls in intron 6 of the SMARCE1 mRNA. It does not directly change the encoded amino acid sequence of the SMARCE1 protein. This variant is not present in population databases (ExAC no frequency) and has not been reported in the literature in individuals with a SMARCE1-related disease. Algorithms developed to predict the effect of nucleotide changes on mRNA splicing suggest that this intronic variant may alter mRNA splicing, but this prediction has not been confirmed by published transcriptional studies. In summary, this is a novel intronic change with uncertain impact on splicing. It has been classified as a Variant of Uncertain Significance.